The following is an entry in ClinVar:

ClinVar aggregate classification (germline): Likely pathogenic. Review status: criteria provided, multiple submitters, no conflicts (2 of 4 stars). 2 submissions from 2 submitters: Likely pathogenic (2). Last evaluated 2018-12-03.

Conditions:
Hypertrophic cardiomyopathy 4. Also called: Familial hypertrophic cardiomyopathy 4. Identifiers: MedGen C1861862, MONDO:0007268, OMIM 115197.

Submissions (2):

Broad Center for Mendelian Genomics, Broad Institute of MIT and Harvard
Classification: Likely pathogenic for Hypertrophic cardiomyopathy 4. Last evaluated: 2018-12-03. Review status: criteria provided, single submitter. Criteria: ACMG Guidelines, 2015. Collection method: research. Allele origin: germline. Inheritance: Autosomal dominant inheritance. Affected: yes.
Comment: This variant was absent from large population studies. This variant is predicted to cause a frameshift, which alters the protein's amino acid sequence beginning at position 1139 and leads to a premature termination codon 10 amino acids downstream. This alteration is then predicted to lead to a truncated or absent protein. Greater than 10% of pathogenic variants reported in association with hypertrophic cardiomyopathy in ClinVar are loss of function variants, including at least three pathogenic loss of function variants across multiple exons. Heterozygous loss of function of the MYBPC3 gene is an established disease mechanism for hypertrophic cardiomyopathy. In summary, although additional studies are required to establish its clinical significance, the p.Val1139ArgfsTer10 variant is likely pathogenic. ACMG/AMP Criteria applied: PM2, PVS1 (Richards 2015).

Laboratory of Genetics and Molecular Cardiology, University of São Paulo
Classification: Likely pathogenic for Hypertrophic cardiomyopathy 4. Review status: criteria provided, single submitter. Criteria: LGCM Criteria August 2015. Collection method: clinical testing. Allele origin: germline. Inheritance: Autosomal dominant inheritance. Affected: yes. Observed: 1 variant allele. Study: Sarcomeric Human Cardiomyopathy Registry (ShaRe).

NM_000256.3(MYBPC3):c.3414dup (p.Val1139fs)

Gene: MYBPC3 (myosin binding protein C3; minus strand). Cytogenetic location: 11p11.2.
Variant type: Duplication.
Coding change: c.3414dup on transcript NM_000256.3 (MANE Select); coding-DNA position 3414, one base duplicated (C; older notation c.3414dupC).
Protein change: p.Val1139fs; shifts the reading frame from valine 1139.
Molecular consequence: frameshift variant.
Genome position (GRCh38, 1-based): chr11:47,332,890, G duplicated on the plus strand (C on the coding strand, the reverse complement: MYBPC3 is on the minus strand). VCF-style (leftmost placement, unchanged base first): chr11-47332889-C-CG. GRCh37 (hg19) VCF-style: chr11-47354440-C-CG.
Other names: c.3414_3415insC (NM_000256.3); c.3414dup, p.Val1139fs (LRG_386t1); short protein forms V1139fs.
Identifiers: ClinVar variation 217486 (VCV000217486.2), dbSNP rs863225114, ClinGen allele CA279290.